The following is an entry in ClinVar:

NM_004977.3(KCNC3):c.574C>G (p.His192Asp)

Gene: KCNC3 (potassium voltage-gated channel subfamily C member 3; minus strand). Cytogenetic location: 19q13.33.
Variant type: single nucleotide variant.
Coding change: c.574C>G on transcript NM_004977.3 (MANE Select); coding-DNA position 574, C replaced by G.
Protein change: p.His192Asp; replaces histidine 192 with aspartic acid.
Molecular consequence: missense variant.
Genome position (GRCh38, 1-based): chr19:50,328,509, G>C on the plus strand (C>G on the coding strand, the complement: KCNC3 is on the minus strand). VCF-style: chr19-50328509-G-C. GRCh37 (hg19) VCF-style: chr19-50831766-G-C.
Other names: c.346C>G, p.His116Asp (NM_001372305.1); short protein forms H116D, H192D.
Identifiers: ClinVar variation 3236372 (VCV003236372.1), dbSNP rs2513803831, ClinGen allele CA406954935.

ClinVar aggregate classification (germline): Uncertain significance (1 of 4 stars; one submission).

Conditions:
Spinocerebellar ataxia type 13 (SCA13). Also called: Spinocerebellar Ataxia Type13. Identifiers: Orphanet 98768, MedGen C1854488, MONDO:0011529, OMIM 605259.

Submission:

MVZ Medizinische Genetik Mainz
Classification: Uncertain significance for Spinocerebellar ataxia type 13. Last evaluated: 2023-09-20. Review status: criteria provided, single submitter. Criteria: UK Practice Guidelines For Variant Classification V4 01 2020. Collection method: clinical testing. Allele origin: germline. Inheritance: Autosomal dominant inheritance. Affected: yes. Observed: 1 variant allele.
Comment: ACMG Criteria: PP3_MOD,PM2_SUP